The following is an entry in ClinVar:

NM_152743.4(BRAT1):c.1685G>A (p.Arg562Gln)

Gene: BRAT1 (BRCA1 associated ATM activator 1; minus strand). Cytogenetic location: 7p22.3.
Variant type: single nucleotide variant.
Coding change: c.1685G>A on transcript NM_152743.4 (MANE Select); coding-DNA position 1685, G replaced by A.
Protein change: p.Arg562Gln; replaces arginine 562 with glutamine.
Molecular consequence: missense variant. On other transcripts: non-coding transcript variant (1).
Genome position (GRCh38, 1-based): chr7:2,539,264, C>T on the plus strand (G>A on the coding strand, the complement: BRAT1 is on the minus strand). VCF-style: chr7-2539264-C-T. GRCh37 (hg19) VCF-style: chr7-2578898-C-T.
Other names: c.1685G>A, p.Arg562Gln (NM_001350626.2); c.1160G>A, p.Arg387Gln (NM_001350627.2); short protein forms R387Q, R562Q.
Identifiers: ClinVar variation 1349752 (VCV001349752.6), dbSNP rs776341501, ClinGen allele CA4127628.

ClinVar aggregate classification (germline): Uncertain significance (1 of 4 stars; one submission).

Conditions:
Neonatal-onset encephalopathy with rigidity and seizures. Also called: Lethal neonatal spasticity-epileptic encephalopathy syndrome. Identifiers: Orphanet 435845, MedGen C3281029, MONDO:0013784, OMIM 614498.

Allele frequency attached by ClinVar (database versions not stated): gnomAD 0.00001; ExAC 0.00002.
gnomAD v4.1: 18 of 1,611,710 alleles (0.0011%); highest among the groups gnomAD compares: African/African-American, 0.004%; no homozygotes.

Submission:

Labcorp Genetics (formerly Invitae), Labcorp
Classification: Uncertain significance for Neonatal-onset encephalopathy with rigidity and seizures. Last evaluated: 2025-08-04. Review status: criteria provided, single submitter. Criteria: Invitae Variant Classification Sherloc (09022015). Collection method: clinical testing. Allele origin: germline.
Comment: This sequence change replaces arginine, which is basic and polar, with glutamine, which is neutral and polar, at codon 562 of the BRAT1 protein (p.Arg562Gln). This variant is present in population databases (rs776341501, gnomAD 0.007%). This missense change has been observed in individual(s) with BRAT1-related conditions (PMID: 37344571). ClinVar contains an entry for this variant (Variation ID: 1349752). Invitae Evidence Modeling of protein sequence and biophysical properties (such as structural, functional, and spatial information, amino acid conservation, physicochemical variation, residue mobility, and thermodynamic stability) has been performed for this missense variant. However, the output from this modeling did not meet the statistical confidence thresholds required to predict the impact of this variant on BRAT1 protein function. In summary, the available evidence is currently insufficient to determine the role of this variant in disease. Therefore, it has been classified as a Variant of Uncertain Significance.

Literature cited by the submitters: PubMed 37344571.